The following is an entry in ClinVar:

NM_014727.3(KMT2B):c.1345G>A (p.Ala449Thr)

Gene: KMT2B (lysine methyltransferase 2B; plus strand). Cytogenetic location: 19q13.12.
Variant type: single nucleotide variant.
Coding change: c.1345G>A on transcript NM_014727.3 (MANE Select); coding-DNA position 1345, G replaced by A.
Protein change: p.Ala449Thr; replaces alanine 449 with threonine.
Molecular consequence: missense variant.
Genome position (GRCh38, 1-based): chr19:35,720,692, G>A. VCF-style: chr19-35720692-G-A. GRCh37 (hg19) VCF-style: chr19-36211594-G-A.
Other names: short protein forms A449T.
Identifiers: ClinVar variation 1329691 (VCV001329691.2), dbSNP rs554741072, ClinGen allele CA405390356.

ClinVar aggregate classification (germline): Uncertain significance (1 of 4 stars; one submission).

Allele frequency attached by ClinVar (database versions not stated): TOPMed 0.00001.

Submission:

GeneDx
Classification: Uncertain significance. Last evaluated: 2021-06-25. Review status: criteria provided, single submitter. Criteria: GeneDx Variant Classification Process June 2021. Collection method: clinical testing. Allele origin: germline. Affected: yes.
Comment: Not observed at significant frequency in large population cohorts (Lek et al., 2016); In silico analysis supports that this missense variant does not alter protein structure/function; Has not been previously published as pathogenic or benign to our knowledge; This variant is associated with the following publications: (PMID: 27535533)